The following is an entry in ClinVar:

ClinVar aggregate classification (germline): Uncertain significance (1 of 4 stars; one submission).

Conditions:
Pyogenic arthritis-pyoderma gangrenosum-acne syndrome (PAPA). Also called: PAPA SYNDROME; FAMILIAL RECURRENT ARTHRITIS. Identifiers: Orphanet 69126, MedGen C1858361, MONDO:0011462, OMIM 604416.

Submission:

Labcorp Genetics (formerly Invitae), Labcorp
Classification: Uncertain significance for Pyogenic arthritis-pyoderma gangrenosum-acne syndrome. Last evaluated: 2022-12-07. Review status: criteria provided, single submitter. Criteria: Invitae Variant Classification Sherloc (09022015). Collection method: clinical testing. Allele origin: germline.
Comment: In summary, the available evidence is currently insufficient to determine the role of this variant in disease. Therefore, it has been classified as a Variant of Uncertain Significance. This variant has not been reported in the literature in individuals affected with PSTPIP1-related conditions. This variant is a gross deletion of the genomic region encompassing exon(s) 13 of the PSTPIP1 gene. This deletion is out-of-frame, and is expected to create a premature translational stop signal and result in an absent or disrupted protein product. However, the current clinical and genetic evidence is not sufficient to establish whether loss-of-function variants in PSTPIP1 cause disease.

NC_000015.9:g.(?_77327829)_(77327924_?)del

Gene: PSTPIP1 (proline-serine-threonine phosphatase interacting protein 1; plus strand). Cytogenetic location: 15q24.3.
Variant type: Deletion.
Identifiers: ClinVar variation 1064149 (VCV001064149.5).